The following is an entry in ClinVar:

ClinVar aggregate classification (germline): Pathogenic (1 of 4 stars; one submission).

Conditions:
Duchenne muscular dystrophy (DMD). Also called: MUSCULAR DYSTROPHY, PSEUDOHYPERTROPHIC PROGRESSIVE, DUCHENNE TYPE; Duchenne Muscular Dystrophy (DMD). Identifiers: Orphanet 98896, MedGen C0013264, MONDO:0010679, OMIM 310200.

Submission:

Labcorp Genetics (formerly Invitae), Labcorp
Classification: Pathogenic for Duchenne muscular dystrophy. Last evaluated: 2023-09-08. Review status: criteria provided, single submitter. Criteria: Invitae Variant Classification Sherloc (09022015). Collection method: clinical testing. Allele origin: unknown.
Comment: This variant is a gross deletion of the genomic region encompassing exon(s) 52-55 of the DMD gene. This variant would be expected to be in-frame, preserving the integrity of the reading frame. A similar copy number variant has been observed in individual(s) with Becker or Duchenne muscular dystrophy (PMID: 19475718). It has also been observed to segregate with disease in related individuals. The region of the DMD gene that includes exon(s) 52-53 has been determined to be clinically significant (PMID: 16834926, 21969337). Therefore, deletions that encompass that region are likely to be disease-causing. For these reasons, this variant has been classified as Pathogenic.

Literature cited by the submitters: PubMed 19475718; PubMed 16834926; PubMed 21969337.

NC_000023.10:g.(?_31613687)_(31747875_?)del

Gene: DMD (dystrophin; minus strand). Cytogenetic location: Xp21.1.
Variant type: Deletion.
Identifiers: ClinVar variation 3248374 (VCV003248374.1).